The following is an entry in ClinVar:

NM_001943.5(DSG2):c.3228G>A (p.Val1076=)

Genes: DSG2 (desmoglein 2; plus strand), DSG2-AS1 (DSG2 antisense RNA 1; minus strand). Cytogenetic location: 18q12.1.
Variant type: single nucleotide variant.
Coding change: c.3228G>A on transcript NM_001943.5 (MANE Select); coding-DNA position 3228, G replaced by A.
Protein change: p.Val1076=; no amino-acid change (valine 1076 retained).
Molecular consequence: synonymous variant.
Genome position (GRCh38, 1-based): chr18:31,546,614, G>A. VCF-style: chr18-31546614-G-A. GRCh37 (hg19) VCF-style: chr18-29126577-G-A.
Other names: c.3228G>A (LRG_397t1).
Identifiers: ClinVar variation 466340 (VCV000466340.23), dbSNP rs373966845, ClinGen allele CA048163.

ClinVar aggregate classification (germline): Likely benign. Review status: criteria provided, multiple submitters, no conflicts (2 of 4 stars). 3 submissions from 3 submitters: Likely benign (3). Last evaluated 2025-10-19.

Conditions:
Cardiomyopathy (CMYO). Also called: Cardiomyopathies. Identifiers: Orphanet 167848, MedGen C0878544, MONDO:0004994, HP:0001638. Inheritance: Various modes of inheritance.
Arrhythmogenic right ventricular cardiomyopathy (ARVD). Also called: Cardiomyopathy, ARVC; Arrhythmogenic right ventricular dysplasia; Arrhythmogenic cardiomyopathy; Arrhythmogenic Right Ventricular Cardiomyopathy (ARVC). Identifiers: Orphanet 247, MedGen C0349788, MeSH D019571, MONDO:0016587. Disease mechanism: loss of function. Inheritance: Various modes of inheritance.
Arrhythmogenic right ventricular dysplasia 10. Also called: Arrhythmogenic right ventricular dysplasia/cardiomyopathy, type 10; Arrhythmogenic Right Ventricular Dysplasia/Cardiomyopathy10; ARRHYTHMOGENIC RIGHT VENTRICULAR DYSPLASIA, FAMILIAL, 10. Identifiers: MedGen C1857777, MONDO:0012434, OMIM 610193.

Allele frequency attached by ClinVar (database versions not stated): gnomAD exomes 0.00001; ExAC 0.00002; gnomAD 0.00003; TOPMed 0.00005; ESP Exome Variant Server 0.00008.
gnomAD v4.1: 12 of 1,614,092 alleles (0.00074%); highest among the groups gnomAD compares: Admixed American, 0.0033%; no homozygotes.

Submissions (3):

Labcorp Genetics (formerly Invitae), Labcorp
Classification: Likely benign for Arrhythmogenic right ventricular dysplasia 10. Last evaluated: 2025-10-19. Review status: criteria provided, single submitter. Criteria: Invitae Variant Classification Sherloc (09022015). Collection method: clinical testing. Allele origin: germline.

All of Us Research Program, National Institutes of Health
Classification: Likely benign for Arrhythmogenic right ventricular cardiomyopathy. Last evaluated: 2023-12-13. Review status: criteria provided, single submitter. Criteria: ACMG Guidelines, 2015. Collection method: clinical testing. Allele origin: germline. Inheritance: Autosomal dominant inheritance. Observed: 5 variant alleles, 5 heterozygotes.
Comment: This study involves interpretation of variants in research participants for the purpose of population health screening. Participant phenotype was not available at the time of variant classification. Additional details can be found in publication PMID: 35346344, PMCID: PMC8962531

Color Diagnostics, LLC DBA Color Health
Classification: Likely benign for Cardiomyopathy. Last evaluated: 2019-04-20. Review status: criteria provided, single submitter. Criteria: ACMG Guidelines, 2015. Collection method: clinical testing. Allele origin: germline.